The following is an entry in ClinVar:

ClinVar aggregate classification (germline): Uncertain significance (1 of 4 stars; one submission).

Conditions:
Pitt-Hopkins-like syndrome 2 (PTHSL2). Identifiers: Orphanet 221150, Orphanet 600663, MedGen C3280479, MONDO:0013690, OMIM 614325.

Allele frequency attached by ClinVar (database versions not stated): TOPMed 0.00001.
gnomAD v4.1: 3 of 1,495,522 alleles (0.0002%); highest among the groups gnomAD compares: Non-Finnish European, 0.00027%; no homozygotes.

Submission:

Labcorp Genetics (formerly Invitae), Labcorp
Classification: Uncertain significance for Pitt-Hopkins-like syndrome 2. Last evaluated: 2025-10-10. Review status: criteria provided, single submitter. Criteria: Invitae Variant Classification Sherloc (09022015). Collection method: clinical testing. Allele origin: germline.
Comment: This sequence change replaces glutamic acid, which is acidic and polar, with lysine, which is basic and polar, at codon 26 of the NRXN1 protein (p.Glu26Lys). This variant is not present in population databases (gnomAD no frequency). This variant has not been reported in the literature in individuals affected with NRXN1-related conditions. ClinVar contains an entry for this variant (Variation ID: 665839). An algorithm developed to predict the effect of missense changes on protein structure and function (PolyPhen-2) suggests that this variant is likely to be tolerated. In summary, the available evidence is currently insufficient to determine the role of this variant in disease. Therefore, it has been classified as a Variant of Uncertain Significance.

NM_001330078.2(NRXN1):c.76G>A (p.Glu26Lys)

Gene: NRXN1 (neurexin 1; minus strand). Cytogenetic location: 2p16.3.
Variant type: single nucleotide variant.
Coding change: c.76G>A on transcript NM_001330078.2 (MANE Select); coding-DNA position 76, G replaced by A.
Protein change: p.Glu26Lys; replaces glutamic acid 26 with lysine.
Molecular consequence: missense variant.
Genome position (GRCh38, 1-based): chr2:51,028,198, C>T on the plus strand (G>A on the coding strand, the complement: NRXN1 is on the minus strand). VCF-style: chr2-51028198-C-T. GRCh37 (hg19) VCF-style: chr2-51255336-C-T.
Other names: c.76G>A, p.Glu26Lys (NM_001330084.2, NM_001330085.2, NM_001330086.2 and 15 more transcripts); short protein forms E26K.
Identifiers: ClinVar variation 665839 (VCV000665839.8), dbSNP rs201847846, ClinGen allele CA346824761.